The following is an entry in ClinVar:

ClinVar aggregate classification (germline): Conflicting classifications of pathogenicity. Review status: criteria provided, conflicting classifications (1 of 4 stars). 5 submissions from 5 submitters: Uncertain significance (3); Likely benign (1). 1 of the submissions does not count toward it. Last evaluated 2026-02-01.

Conditions:
Autosomal recessive limb-girdle muscular dystrophy type 2A (LGMDR1). Also called: LEYDEN-MOEBIUS MUSCULAR DYSTROPHY; MUSCULAR DYSTROPHY, PELVOFEMORAL; Muscular dystrophy, limb-girdle, type 2A, Amish; Limb-girdle muscular dystrophy, type 2A; Calpainopathy. Identifiers: Orphanet 267, MedGen C1869123, MONDO:0009675, OMIM 253600. Disease mechanism: loss of function.

Allele frequency attached by ClinVar (database versions not stated): gnomAD 0.00013 and 0.00020; ESP Exome Variant Server 0.00015; gnomAD exomes 0.00019; ExAC 0.00021; TOPMed 0.00034; 1000 Genomes Project 30x 0.00141; 1000 Genomes Project 0.00180.
gnomAD v4.1: 141 of 1,612,362 alleles (0.0087%); highest among the groups gnomAD compares: East Asian, 0.098%; 1 homozygote.

Submissions (5):

Labcorp Genetics (formerly Invitae), Labcorp
Classification: Uncertain significance for Autosomal recessive limb-girdle muscular dystrophy type 2A. Last evaluated: 2026-02-01. Review status: criteria provided, single submitter. Criteria: Invitae Variant Classification Sherloc (09022015). Collection method: clinical testing. Allele origin: germline.
Comment: This sequence change replaces glycine, which is neutral and non-polar, with arginine, which is basic and polar, at codon 691 of the CAPN3 protein (p.Gly691Arg). This variant is present in population databases (rs140425651, gnomAD 0.09%). This missense change has been observed in individual(s) with limb–girdle muscular dystrophy (PMID: 39678382). ClinVar contains an entry for this variant (Variation ID: 281011). Invitae Evidence Modeling of protein sequence and biophysical properties (such as structural, functional, and spatial information, amino acid conservation, physicochemical variation, residue mobility, and thermodynamic stability) has been performed for this missense variant. However, the output from this modeling did not meet the statistical confidence thresholds required to predict the impact of this variant on CAPN3 protein function. In summary, the available evidence is currently insufficient to determine the role of this variant in disease. Therefore, it has been classified as a Variant of Uncertain Significance.

Myriad Genetics, Inc.
Classification: Uncertain significance for Autosomal recessive limb-girdle muscular dystrophy type 2A. Last evaluated: 2025-08-21. Review status: criteria provided, single submitter. Criteria: Myriad Autosomal Dominant, Autosomal Recessive and X-Linked Classification Criteria (2023). Collection method: clinical testing. Allele origin: unknown.
Comment: NM_000070.2(CAPN3):c.2071G>A(G691R) is a missense variant classified as a variant of uncertain significance in the context of calpainopathy. G691R has not been observed in cases with relevant disease. Relevant functional assessments of this variant are not available in the literature. G691R has been observed in referenced population frequency databases. In summary, there is insufficient evidence to classify NM_000070.2(CAPN3):c.2071G>A(G691R) as pathogenic or benign. Please note: this variant was assessed in the context of healthy population screening.

Revvity Omics, Revvity
Classification: Uncertain significance. Last evaluated: 2025-03-13. Review status: criteria provided, single submitter. Criteria: ACMG Guidelines, 2015. Collection method: clinical testing. Allele origin: germline.

Eurofins Ntd Llc (ga)
Classification: Likely benign. Last evaluated: 2015-10-16. Review status: criteria provided, single submitter. Criteria: EGL Classification Definitions 2015. Collection method: clinical testing. Allele origin: germline. Observed: 2 variant alleles, 2 heterozygotes.

Natera, Inc.
Classification: Uncertain significance for Limb-girdle muscular dystrophy type 2A. Last evaluated: 2020-04-17. Review status: no assertion criteria provided. Collection method: clinical testing. Allele origin: germline. Not counted in ClinVar's aggregate classification.

Literature cited by the submitters: PubMed 39678382 (cited by Labcorp Genetics (formerly Invitae), Labcorp).

NM_000070.3(CAPN3):c.2071G>A (p.Gly691Arg)

Gene: CAPN3 (calpain 3; plus strand). Cytogenetic location: 15q15.1.
Variant type: single nucleotide variant.
Coding change: c.2071G>A on transcript NM_000070.3 (MANE Select); coding-DNA position 2071, G replaced by A.
Protein change: p.Gly691Arg; replaces glycine 691 with arginine.
Molecular consequence: missense variant.
Genome position (GRCh38, 1-based): chr15:42,409,951, G>A. VCF-style: chr15-42409951-G-A. GRCh37 (hg19) VCF-style: chr15-42702149-G-A.
Other names: c.2053G>A, p.Gly685Arg (NM_024344.2); c.1795G>A, p.Gly599Arg (NM_173087.2); c.535G>A, p.Gly179Arg (NM_173088.2); c.76G>A, p.Gly26Arg (NM_173089.2, NM_173090.2); short protein forms G691R, G179R, G599R, G26R, G685R.
Identifiers: ClinVar variation 281011 (VCV000281011.15), dbSNP rs140425651, ClinGen allele CA7511704.